The following is an entry in ClinVar:

ClinVar aggregate classification (germline): Pathogenic (1 of 4 stars; one submission).

Conditions:
Hereditary cancer-predisposing syndrome. Also called: Neoplastic Syndromes, Hereditary; Tumor predisposition; Hereditary Cancer Syndrome; Hereditary neoplastic syndrome. Identifiers: Orphanet 140162, MedGen C0027672, MeSH D009386, MONDO:0015356.

Submission:

Color Diagnostics, LLC DBA Color Health
Classification: Pathogenic for Hereditary cancer-predisposing syndrome. Last evaluated: 2023-11-07. Review status: criteria provided, single submitter. Criteria: ACMG Guidelines, 2015. Collection method: clinical testing. Allele origin: germline.
Comment: This variant deletes 7 nucleotides in exon 11 of the BRCA2 gene, creating a frameshift and premature translation stop signal. This variant is expected to result in an absent or non-functional protein product. To our knowledge, this variant has not been reported in individuals affected with BRCA2-related disorders in the literature. This variant has not been identified in the general population by the Genome Aggregation Database (gnomAD). Loss of BRCA2 function is a known mechanism of disease. Based on the available evidence, this variant is classified as Pathogenic.

NM_000059.4(BRCA2):c.5543_5549del (p.Ser1848fs)

Gene: BRCA2 (BRCA2 DNA repair associated; plus strand). Cytogenetic location: 13q13.1.
Variant type: Deletion.
Coding change: c.5543_5549del on transcript NM_000059.4 (MANE Select); coding-DNA positions 5543 to 5549, 7 bases deleted (GTGGTAA; older notation c.5543_5549delGTGGTAA).
Protein change: p.Ser1848fs; shifts the reading frame from serine 1848.
Molecular consequence: frameshift variant. On other transcripts: non-coding transcript variant (1), intron variant (2).
Genome position (GRCh38, 1-based): chr13:32,339,898-32,339,904, GTGGTAA deleted; deleting any 7 consecutive bases within chr13:32,339,897-32,339,904 gives the same sequence; the c. name uses the placement nearest the transcript's 3' end. VCF-style (leftmost placement, unchanged base first): chr13-32339896-CAGTGGTA-C. GRCh37 (hg19) VCF-style: chr13-32914033-CAGTGGTA-C.
Other names: c.5543_5549del, p.Ser1848fs (NM_001406719.1, NM_001406720.1); c.1910-4660_1910-4654del (NM_001406721.1); c.425-4660_425-4654del (NM_001406722.1); short protein forms S1848fs.
Identifiers: ClinVar variation 2774920 (VCV002774920.2), dbSNP rs2548531062, ClinGen allele CA2697551800.
Genomic context (GRCh38, chr13:32,339,896, plus strand): 5'-TAAATTGTCCATATCTAATAGTAATAATTTTGAGGTAGGGCCACCTGCATTTAGGATAGC[CAGTGGTA>C]AAATCGTTTGTGTTTCACATGAAACAATTAAAAAAGTGAAAGACATATTTACAGACAGTT-3'